The following is an entry in ClinVar:

ClinVar aggregate classification (germline): Likely pathogenic (1 of 4 stars; one submission).

Conditions:
Glycine encephalopathy. Also called: Nonketotic hyperglycinemia; Non-ketotic hyperglycinemia. Identifiers: Orphanet 407, MedGen C0751748, MONDO:0011612, HP:0008288.

Allele frequency attached by ClinVar (database versions not stated): gnomAD exomes below 0.00001.
gnomAD v4.1: 2 of 1,591,500 alleles (0.00013%); highest among the groups gnomAD compares: Non-Finnish European, 0.00017%; no homozygotes.

Submission:

Labcorp Genetics (formerly Invitae), Labcorp
Classification: Likely pathogenic for Glycine encephalopathy. Last evaluated: 2022-10-03. Review status: criteria provided, single submitter. Criteria: Invitae Variant Classification Sherloc (09022015). Collection method: clinical testing. Allele origin: germline.
Comment: In summary, the currently available evidence indicates that the variant is pathogenic, but additional data are needed to prove that conclusively. Therefore, this variant has been classified as Likely Pathogenic. Algorithms developed to predict the effect of sequence changes on RNA splicing suggest that this variant may disrupt the consensus splice site. ClinVar contains an entry for this variant (Variation ID: 937765). This variant has not been reported in the literature in individuals affected with GLDC-related conditions. This variant is not present in population databases (gnomAD no frequency). This sequence change affects an acceptor splice site in intron 7 of the GLDC gene. It is expected to disrupt RNA splicing. Variants that disrupt the donor or acceptor splice site typically lead to a loss of protein function (PMID: 16199547), and loss-of-function variants in GLDC are known to be pathogenic (PMID: 16601880).

Literature cited by the submitters: PubMed 16199547; PubMed 16601880.

NM_000170.3(GLDC):c.1059-1G>C

Gene: GLDC (glycine decarboxylase; minus strand). Cytogenetic location: 9p24.1.
Variant type: single nucleotide variant.
Coding change: c.1059-1G>C on transcript NM_000170.3 (MANE Select); the canonical splice acceptor site of the intron before coding-DNA position 1059, G replaced by C.
Molecular consequence: splice acceptor variant.
Genome position (GRCh38, 1-based): chr9:6,602,206, C>G on the plus strand (G>C on the coding strand, the complement: GLDC is on the minus strand). VCF-style: chr9-6602206-C-G. GRCh37 (hg19) VCF-style: chr9-6602206-C-G.
Identifiers: ClinVar variation 937765 (VCV000937765.8), dbSNP rs1587958061, ClinGen allele CA372894755.